The following is an entry in ClinVar:

NM_006947.4(SRP72):c.1700A>T (p.Asp567Val)

Gene: SRP72 (signal recognition particle 72; plus strand). Cytogenetic location: 4q12.
Variant type: single nucleotide variant.
Coding change: c.1700A>T on transcript NM_006947.4 (MANE Select); coding-DNA position 1700, A replaced by T.
Protein change: p.Asp567Val; replaces aspartic acid 567 with valine.
Molecular consequence: missense variant. On other transcripts: non-coding transcript variant (1).
Genome position (GRCh38, 1-based): chr4:56,500,557, A>T. VCF-style: chr4-56500557-A-T. GRCh37 (hg19) VCF-style: chr4-57366723-A-T.
Other names: c.1700A>T (NM_006947.3); c.1517A>T, p.Asp506Val (NM_001267722.2); short protein forms D506V, D567V.
Identifiers: ClinVar variation 3674399 (VCV003674399.3).

ClinVar aggregate classification (germline): Uncertain significance. Review status: criteria provided, multiple submitters, no conflicts (2 of 4 stars). 2 submissions from 2 submitters: Uncertain significance (2). Last evaluated 2025-02-23.

Submissions (2):

Ambry Genetics
Classification: Uncertain significance. Last evaluated: 2025-02-23. Review status: criteria provided, single submitter. Criteria: Ambry Variant Classification Scheme 2023. Collection method: clinical testing. Allele origin: germline.
Comment: The p.D567V variant (also known as c.1700A>T), located in coding exon 18 of the SRP72 gene, results from an A to T substitution at nucleotide position 1700. The aspartic acid at codon 567 is replaced by valine, an amino acid with highly dissimilar properties. This amino acid position is conserved. In addition, this alteration is predicted to be deleterious by in silico analysis. Based on the available evidence, the clinical significance of this variant remains unclear.

Labcorp Genetics (formerly Invitae), Labcorp
Classification: Uncertain significance. Last evaluated: 2024-06-19. Review status: criteria provided, single submitter. Criteria: Invitae Variant Classification Sherloc (09022015). Collection method: clinical testing. Allele origin: germline.
Comment: This sequence change replaces aspartic acid, which is acidic and polar, with valine, which is neutral and non-polar, at codon 567 of the SRP72 protein (p.Asp567Val). This variant is not present in population databases (gnomAD no frequency). This variant has not been reported in the literature in individuals affected with SRP72-related conditions. Advanced modeling of protein sequence and biophysical properties (such as structural, functional, and spatial information, amino acid conservation, physicochemical variation, residue mobility, and thermodynamic stability) performed at Invitae indicates that this missense variant is not expected to disrupt SRP72 protein function with a negative predictive value of 80%. In summary, the available evidence is currently insufficient to determine the role of this variant in disease. Therefore, it has been classified as a Variant of Uncertain Significance.